The following is an entry in ClinVar:

NM_001367624.2(ZNF469):c.226C>G (p.Pro76Ala)

Gene: ZNF469 (zinc finger protein 469; plus strand). Cytogenetic location: 16q24.2.
Variant type: single nucleotide variant.
Coding change: c.226C>G on transcript NM_001367624.2 (MANE Select); coding-DNA position 226, C replaced by G.
Protein change: p.Pro76Ala; replaces proline 76 with alanine.
Molecular consequence: missense variant.
Genome position (GRCh38, 1-based): chr16:88,427,696, C>G. VCF-style: chr16-88427696-C-G. GRCh37 (hg19) VCF-style: chr16-88494104-C-G.
Other names: NM_001127464.1:c.226C>G; short protein forms P76A.
Identifiers: ClinVar variation 1788753 (VCV001788753.3), dbSNP rs1905782461, ClinGen allele CA397058741.
Genomic context (GRCh38, chr16:88,427,696, plus strand): 5'-CAGGCCATGGAGCTCCCCGAGGCCCAGCCAAGGCAGGCCAGGGACGGGGAGCTCAAGCCC[C>G]CATCCCTGAGAGGCCAGGCCCCGAGCAGCACCCCTGGGAAGAGGGGCAGCCCCCAGACCC-3'
Protein context (NP_001354553.1, residues 66-86): RQARDGELKP[Pro76Ala]SLRGQAPSST

ClinVar aggregate classification (germline): Uncertain significance. Review status: criteria provided, multiple submitters, no conflicts (2 of 4 stars). 2 submissions from 2 submitters: Uncertain significance (2). Last evaluated 2024-12-31.

Conditions:
Cardiovascular phenotype. Identifiers: MedGen CN230736.

Allele frequency attached by ClinVar (database versions not stated): gnomAD exomes 0.00001; TOPMed 0.00001.
gnomAD v4.1: 3 of 1,532,656 alleles (0.0002%); highest among the groups gnomAD compares: Non-Finnish European, 0.00026%; no homozygotes.

Submissions (2):

Labcorp Genetics (formerly Invitae), Labcorp
Classification: Uncertain significance. Last evaluated: 2024-12-31. Review status: criteria provided, single submitter. Criteria: Invitae Variant Classification Sherloc (09022015). Collection method: clinical testing. Allele origin: germline.
Comment: This sequence change replaces proline, which is neutral and non-polar, with alanine, which is neutral and non-polar, at codon 76 of the ZNF469 protein (p.Pro76Ala). This variant is not present in population databases (gnomAD no frequency). This variant has not been reported in the literature in individuals affected with ZNF469-related conditions. ClinVar contains an entry for this variant (Variation ID: 1788753). An algorithm developed to predict the effect of missense changes on protein structure and function (PolyPhen-2) suggests that this variant¬†is likely to be tolerated. In summary, the available evidence is currently insufficient to determine the role of this variant in disease. Therefore, it has been classified as a Variant of Uncertain Significance.

Ambry Genetics
Classification: Uncertain significance for Cardiovascular phenotype. Last evaluated: 2022-05-02. Review status: criteria provided, single submitter. Criteria: Ambry Variant Classification Scheme 2023. Collection method: clinical testing. Allele origin: germline.
Comment: The p.P76A variant (also known as c.226C>G), located in coding exon 1 of the ZNF469 gene, results from a C to G substitution at nucleotide position 226. The proline at codon 76 is replaced by alanine, an amino acid with highly similar properties. This amino acid position is conserved. In addition, this alteration is predicted to be tolerated by in silico analysis. Since supporting evidence is limited at this time, the clinical significance of this alteration remains unclear.